The following is an entry in ClinVar:

NM_000352.6(ABCC8):c.3172C>T (p.Leu1058Phe)

Gene: ABCC8 (ATP binding cassette subfamily C member 8; minus strand). Cytogenetic location: 11p15.1.
Variant type: single nucleotide variant.
Coding change: c.3172C>T on transcript NM_000352.6 (MANE Select); coding-DNA position 3172, C replaced by T.
Protein change: p.Leu1058Phe; replaces leucine 1058 with phenylalanine.
Molecular consequence: missense variant. On other transcripts: non-coding transcript variant (1).
Genome position (GRCh38, 1-based): chr11:17,406,779, G>A on the plus strand (C>T on the coding strand, the complement: ABCC8 is on the minus strand). VCF-style: chr11-17406779-G-A. GRCh37 (hg19) VCF-style: chr11-17428326-G-A.
Other names: c.3175C>T, p.Leu1059Phe (NM_001287174.3); c.3238C>T, p.Leu1080Phe (NM_001351295.2); c.3172C>T, p.Leu1058Phe (NM_001351296.2); c.3169C>T, p.Leu1057Phe (NM_001351297.2); short protein forms L1057F, L1058F, L1059F, L1080F.
Identifiers: ClinVar variation 990393 (VCV000990393.2), dbSNP rs1954549447, ClinGen allele CA379802989.
Genomic context (GRCh38, chr11:17,406,779, plus strand): 5'-ACAGCACAATGCCCAGGCTGCAGAGCACCGTGAACACCATGGCATAGACAGTCTGGTCGA[G>A]GGTGCACTCCTTCACAGGCAGAGAGTGATTTGGAGTTCCAGGGTGCCCATGGGCTCAGCC-3'
Protein context (NP_000343.2, residues 1048-1068): RNCSLSQECT[Leu1058Phe]DQTVYAMVFT

ClinVar aggregate classification (germline): Uncertain significance. Review status: criteria provided, single submitter (1 of 4 stars). 3 submissions from 2 submitters: Uncertain significance (2). 1 of the submissions does not count toward it.

Conditions:
Maturity-onset diabetes of the young (MODY). Also called: Maturity onset diabetes mellitus in young. Identifiers: Orphanet 552, MedGen C0342276, MONDO:0018911, HP:0004904.
Hereditary hyperinsulinism.
Transitory neonatal diabetes mellitus. Also called: Transient neonatal diabetes mellitus. Identifiers: MedGen C0342273, MONDO:0020525, HP:0008255.

Allele frequency attached by ClinVar (database versions not stated): gnomAD exomes below 0.00001; TOPMed below 0.00001.

Submissions (3):

Clinical Genomics, Uppaluri K&H Personalized Medicine Clinic
Classification: Uncertain significance for Maturity-onset diabetes of the young. Review status: criteria provided, single submitter. Criteria: K & H Uppaluri Personalized Medicine Clinic Variant Classification & Assertion Criteria_Updated V.1. Collection method: research. Allele origin: somatic. Inheritance: Somatic mutation.
Comment: Mutations in ABCC8 gene are associated with both neonatal diabetes mellitus as well as MODY. Patients with this mutation may have a better response to sulfonylureas. However, no sufficient evidence is found to ascertain the role of this particular variant ( rs1954549447) in MODY yet.

Clinical Genomics, Uppaluri K&H Personalized Medicine Clinic
Classification: Uncertain significance for Transitory neonatal diabetes mellitus. Review status: criteria provided, single submitter. Criteria: K & H Uppaluri Personalized Medicine Clinic Variant Classification & Assertion Criteria_Updated V.1. Collection method: research. Allele origin: somatic. Inheritance: Somatic mutation.
Comment: Mutations in ABCC8 gene are associated with both neonatal diabetes mellitus as well as MODY. Patients with this mutation may have a better response to sulfonylureas. However, no sufficient evidence is found to ascertain the role of this particular variant ( rs1954549447) in neonatal diabetes yet.

Natera, Inc.
Classification: Uncertain significance for Hereditary hyperinsulinism. Last evaluated: 2020-04-10. Review status: no assertion criteria provided. Collection method: clinical testing. Allele origin: germline. Not counted in ClinVar's aggregate classification.

Literature cited by the submitters: PubMed 16885549 (cited by Clinical Genomics, Uppaluri K&H Personalized Medicine Clinic); PubMed 21989597 (cited by Clinical Genomics, Uppaluri K&H Personalized Medicine Clinic); PubMed 27538677 (cited by Clinical Genomics, Uppaluri K&H Personalized Medicine Clinic); PubMed 18981553 (cited by Clinical Genomics, Uppaluri K&H Personalized Medicine Clinic); PubMed 32027066 (cited by Clinical Genomics, Uppaluri K&H Personalized Medicine Clinic); PubMed 16613899 (cited by Clinical Genomics, Uppaluri K&H Personalized Medicine Clinic); PubMed 18025408 (cited by Clinical Genomics, Uppaluri K&H Personalized Medicine Clinic); PubMed 32792356 (cited by Clinical Genomics, Uppaluri K&H Personalized Medicine Clinic).